The following is an entry in ClinVar:

NM_206933.4(USH2A):c.14893G>A (p.Val4965Met)

Gene: USH2A (usherin; minus strand). Cytogenetic location: 1q41.
Variant type: single nucleotide variant.
Coding change: c.14893G>A on transcript NM_206933.4 (MANE Select); coding-DNA position 14893, G replaced by A.
Protein change: p.Val4965Met; replaces valine 4965 with methionine.
Molecular consequence: missense variant.
Genome position (GRCh38, 1-based): chr1:215,640,633, C>T on the plus strand (G>A on the coding strand, the complement: USH2A is on the minus strand). VCF-style: chr1-215640633-C-T. GRCh37 (hg19) VCF-style: chr1-215813975-C-T.
Other names: short protein forms V4965M.
Identifiers: ClinVar variation 1480718 (VCV001480718.3), dbSNP rs149289393, ClinGen allele CA1392897.
Genomic context (GRCh38, chr1:215,640,633, plus strand): 5'-TCGGTATGTAGAGGGTGGTGTCCAAGCCGCTGTACACGCGTCGCCCTCCGTCGGTTAACA[C>T]GTACTCCTTCAGTTGGCCGTTCAGGAGGAAGGTGTCACTCCAGTTCACACACACCACAGA-3'
Protein context (NP_996816.3, residues 4955-4975): FLLNGQLKEY[Val4965Met]LTDGGRRVYS

ClinVar aggregate classification (germline): Uncertain significance (1 of 4 stars; one submission).

Allele frequency attached by ClinVar (database versions not stated): 1000 Genomes Project 30x 0.00016; 1000 Genomes Project 0.00020; ExAC 0.00002.
gnomAD v4.1: 6 of 1,613,908 alleles (0.00037%); highest among the groups gnomAD compares: Admixed American, 0.0033%; no homozygotes.

Submission:

Labcorp Genetics (formerly Invitae), Labcorp
Classification: Uncertain significance. Last evaluated: 2022-07-25. Review status: criteria provided, single submitter. Criteria: Invitae Variant Classification Sherloc (09022015). Collection method: clinical testing. Allele origin: germline.
Comment: This sequence change replaces valine, which is neutral and non-polar, with methionine, which is neutral and non-polar, at codon 4965 of the USH2A protein (p.Val4965Met). This variant is present in population databases (rs149289393, gnomAD 0.007%). This variant has not been reported in the literature in individuals affected with USH2A-related conditions. ClinVar contains an entry for this variant (Variation ID: 1480718). Algorithms developed to predict the effect of missense changes on protein structure and function output the following: SIFT: "Deleterious"; PolyPhen-2: "Benign"; Align-GVGD: "Class C0". The methionine amino acid residue is found in multiple mammalian species, which suggests that this missense change does not adversely affect protein function. In summary, the available evidence is currently insufficient to determine the role of this variant in disease. Therefore, it has been classified as a Variant of Uncertain Significance.